The following is an entry in ClinVar:

NM_001384474.1(LOXHD1):c.4681G>A (p.Gly1561Arg)

Gene: LOXHD1 (lipoxygenase homology PLAT domains 1; minus strand). Cytogenetic location: 18q21.1.
Variant type: single nucleotide variant.
Coding change: c.4681G>A on transcript NM_001384474.1 (MANE Select); coding-DNA position 4681, G replaced by A.
Protein change: p.Gly1561Arg; replaces glycine 1561 with arginine.
Molecular consequence: missense variant.
Genome position (GRCh38, 1-based): chr18:46,524,767, C>T on the plus strand (G>A on the coding strand, the complement: LOXHD1 is on the minus strand). VCF-style: chr18-46524767-C-T. GRCh37 (hg19) VCF-style: chr18-44104730-C-T.
Other names: c.1348G>A, p.Gly450Arg (NM_001145472.3); c.1060G>A, p.Gly354Arg (NM_001308013.2); c.4681G>A, p.Gly1561Arg (NM_144612.7); c.4681G>A (NM_144612.6); short protein forms G1561R, G354R, G450R.
Identifiers: ClinVar variation 2428081 (VCV002428081.4), dbSNP rs746890165, ClinGen allele CA8952312.

ClinVar aggregate classification (germline): Uncertain significance. Review status: criteria provided, multiple submitters, no conflicts (2 of 4 stars). 2 submissions from 2 submitters: Uncertain significance (2). Last evaluated 2025-08-04.

Conditions:
Inborn genetic diseases. Identifiers: MedGen C0950123, MeSH D030342.

Allele frequency attached by ClinVar (database versions not stated): TOPMed below 0.00001; gnomAD exomes 0.00001; ExAC 0.00005.
gnomAD v4.1: 13 of 1,551,740 alleles (0.00084%); highest among the groups gnomAD compares: South Asian, 0.0036%; no homozygotes.

Submissions (2):

Ambry Genetics
Classification: Uncertain significance for Inborn genetic diseases. Last evaluated: 2025-08-04. Review status: criteria provided, single submitter. Criteria: Ambry Variant Classification Scheme 2023. Collection method: clinical testing. Allele origin: germline.

Labcorp Genetics (formerly Invitae), Labcorp
Classification: Uncertain significance. Last evaluated: 2021-08-23. Review status: criteria provided, single submitter. Criteria: Invitae Variant Classification Sherloc (09022015). Collection method: clinical testing. Allele origin: germline.
Comment: This sequence change replaces glycine with arginine at codon 1561 of the LOXHD1 protein (p.Gly1561Arg). The glycine residue is moderately conserved and there is a moderate physicochemical difference between glycine and arginine. This variant is present in population databases (rs746890165, ExAC 0.01%). This variant has not been reported in the literature in individuals affected with LOXHD1-related conditions. Algorithms developed to predict the effect of missense changes on protein structure and function are either unavailable or do not agree on the potential impact of this missense change (SIFT: "Tolerated"; PolyPhen-2: "Probably Damaging"; Align-GVGD: "Class C0"). Algorithms developed to predict the effect of sequence changes on RNA splicing suggest that this variant may create or strengthen a splice site. In summary, the available evidence is currently insufficient to determine the role of this variant in disease. Therefore, it has been classified as a Variant of Uncertain Significance.